The following is an entry in ClinVar:

ClinVar aggregate classification (germline): Likely pathogenic. Review status: criteria provided, multiple submitters, no conflicts (2 of 4 stars). 2 submissions from 2 submitters: Likely pathogenic (2). Last evaluated 2020-09-10.

Conditions:
Cortical dysplasia, complex, with other brain malformations 13. Also called: Intellectual disability, autosomal dominant 13. Identifiers: MedGen C3281202, MONDO:0013805, OMIM 614563.
Intellectual disability. Also called: intellectual disabilities; Intellectual developmental disorder; Intellectual functioning disability. Identifiers: MedGen C3714756, MeSH D008607, MONDO:0001071, HP:0001249.

Submissions (2):

Diagnostic Laboratory, Strasbourg University Hospital
Classification: Likely pathogenic for Intellectual disability. Last evaluated: 2020-09-10. Review status: criteria provided, single submitter. Criteria: ACMG Guidelines, 2015. Collection method: clinical testing. Allele origin: paternal. Affected: yes. Observed: 1 heterozygote.

Victorian Clinical Genetics Services, Murdoch Childrens Research Institute
Classification: Likely pathogenic for Cortical dysplasia, complex, with other brain malformations 13. Last evaluated: 2020-07-02. Review status: criteria provided, single submitter. Criteria: ACMG Guidelines, 2015. Collection method: clinical testing. Allele origin: germline. Inheritance: Autosomal dominant inheritance. Affected: yes.
Comment: Based on the classification scheme VCGS_Germline_v1.1.1, this variant is classified as Likely Pathogenic. Following criteria are met: 0103 - Both loss- and gain-of-function are known mechanisms of disease for this gene caused by missense variants (PMID: 28196890). (N) 0107 - This gene is known to be associated with autosomal dominant disease. (N) 0200 - Variant is predicted to result in a missense amino acid change from glutamine to arginine (exon 11). (N) 0251 - Variant is heterozygous. (N) 0301 - Variant is absent from gnomAD. (P) 0501 - Missense variant consistently predicted to be damaging by multiple in silico tools or highly conserved with a major amino acid change. (P) 0600 - Variant is located in an annotated domain or motif (DLIC-binding domain; PMID: 28196890). (N) 0603 - Missense variant in a region that is highly intolerant to missense variation (high constraint region). (P) 0705 - No comparable variants have previous evidence for pathogenicity. (N) 0807 - Variant has not previously been reported in a clinical context. (N) 0905 - No segregation evidence has been identified for this variant. (N) 1007 - No published functional evidence has been identified for this variant. (P) Legend: (P) - Pathogenic, (N) - Neutral, (B) - Benign

Literature cited by the submitters: PubMed 28196890 (cited by Victorian Clinical Genetics Services, Murdoch Childrens Research Institute).

NM_001376.5(DYNC1H1):c.2900A>G (p.Gln967Arg)

Genes: DYNC1H1 (dynein cytoplasmic 1 heavy chain 1; plus strand), LOC130056502 (ATAC-STARR-seq lymphoblastoid active region 9063; plus strand). Cytogenetic location: 14q32.31.
Variant type: single nucleotide variant.
Coding change: c.2900A>G on transcript NM_001376.5 (MANE Select); coding-DNA position 2900, A replaced by G.
Protein change: p.Gln967Arg; replaces glutamine 967 with arginine.
Molecular consequence: missense variant.
Genome position (GRCh38, 1-based): chr14:101,991,558, A>G. VCF-style: chr14-101991558-A-G. GRCh37 (hg19) VCF-style: chr14-102457895-A-G.
Other names: short protein forms Q967R.
Identifiers: ClinVar variation 981304 (VCV000981304.2), dbSNP rs2047998539, ClinGen allele CA391030219.